The following is an entry in ClinVar:

NM_206933.4(USH2A):c.9871G>A (p.Gly3291Ser)

Gene: USH2A (usherin; minus strand). Cytogenetic location: 1q41.
Variant type: single nucleotide variant.
Coding change: c.9871G>A on transcript NM_206933.4 (MANE Select); coding-DNA position 9871, G replaced by A.
Protein change: p.Gly3291Ser; replaces glycine 3291 with serine.
Molecular consequence: missense variant.
Genome position (GRCh38, 1-based): chr1:215,798,994, C>T on the plus strand (G>A on the coding strand, the complement: USH2A is on the minus strand). VCF-style: chr1-215798994-C-T. GRCh37 (hg19) VCF-style: chr1-215972336-C-T.
Other names: short protein forms G3291S.
Identifiers: ClinVar variation 550545 (VCV000550545.27), dbSNP rs138543813, ClinGen allele CA1394192.

ClinVar aggregate classification (germline): Conflicting classifications of pathogenicity. Review status: criteria provided, conflicting classifications (1 of 4 stars). 14 submissions from 14 submitters: Uncertain significance (8); Likely benign (2). 4 of the submissions do not count toward it. Last evaluated 2026-10-07.

Conditions:
Retinitis pigmentosa 39 (RP39). Identifiers: Orphanet 791, MedGen C3151138, MONDO:0013436, OMIM 613809.
Usher syndrome type 2A. Also called: RETINAL DISEASE IN USHER SYNDROME TYPE IIA, MODIFIER OF; USHER SYNDROME, TYPE IIA. Identifiers: Orphanet 231178, Orphanet 886, MedGen C1848634, MONDO:0010169, OMIM 276901.
USH2A-related disorder. Also called: USH2A-related disorders; USH2A-related condition. Identifiers: MedGen CN239332.
Retinal dystrophy. Also called: Inherited retinal dystrophy. Identifiers: Orphanet 71862, MedGen C0854723, MeSH D058499, MONDO:0019118, HP:0000556.

Allele frequency attached by ClinVar (database versions not stated): TOPMed 0.00027; gnomAD 0.00032 and 0.00033; gnomAD exomes 0.00042; ESP Exome Variant Server 0.00046.
gnomAD v4.1: 664 of 1,613,984 alleles (0.041%); highest among the groups gnomAD compares: Non-Finnish European, 0.053%; 1 homozygote.

Submissions (14):

GeneDx
Classification: Uncertain significance. Last evaluated: 2026-10-07. Review status: criteria provided, single submitter. Criteria: GeneDx Variant Classification Process June 2021. Collection method: clinical testing. Allele origin: germline.
Comment: Reported in the heterozygous state in a patient with Usher syndrome in published literature (PMID: 25333064); In silico analysis suggests that this missense variant does not alter protein structure/function; This variant is associated with the following publications: (PMID: 32707200, 25333064)

CeGaT Center for Human Genetics Tuebingen
Classification: Likely benign. Last evaluated: 2026-09-01. Review status: criteria provided, single submitter. Criteria: CeGaT Center For Human Genetics Tuebingen Variant Classification Criteria Version 2. Collection method: clinical testing. Allele origin: germline. Affected: yes. Observed: 1 variant allele.
Comment: USH2A: BP4

PreventionGenetics, part of Exact Sciences
Classification: Uncertain significance for USH2A-related condition. Last evaluated: 2026-03-12. Review status: criteria provided, single submitter. Criteria: ACMG Guidelines, 2015. Collection method: clinical testing. Allele origin: germline.
Comment: The USH2A c.9871G>A variant is predicted to result in the amino acid substitution p.Gly3291Ser. This variant has been reported in an individual with Usher syndrome (Krawitz et al. 2014. PubMed ID: 25333064) and in an individual with presumed ocular histoplasmosis syndrome (Table S2, Li et al. 2020. PubMed ID: 32707200). This variant is reported in 0.047% of alleles in individuals of European (Non-Finnish) descent in gnomAD. At this time, the clinical significance of this variant is uncertain due to the absence of conclusive functional and genetic evidence.

Women's Health and Genetics/Laboratory Corporation of America, LabCorp
Classification: Uncertain significance. Last evaluated: 2025-04-08. Review status: criteria provided, single submitter. Criteria: LabCorp Variant Classification Summary - May 2015. Collection method: clinical testing. Allele origin: germline.
Comment: Variant summary: USH2A c.9871G>A (p.Gly3291Ser) results in a non-conservative amino acid change in the encoded protein sequence. Four of five in-silico tools predict a benign effect of the variant on protein function. The variant allele was found at a frequency of 0.00026 in 251216 control chromosomes. This frequency is not significantly higher than estimated for a pathogenic variant in USH2A causing Usher Syndrome (0.00026 vs 0.011), allowing no conclusion about variant significance. c.9871G>A has been reported in the literature in individuals affected with Usher Syndrome and Presumed Ocular Histoplasmosis Syndrome (examples: Krawitz_2014, Li_2021). These report(s) do not provide unequivocal conclusions about association of the variant with Usher Syndrome. To our knowledge, no experimental evidence demonstrating an impact on protein function has been reported. The following publications have been ascertained in the context of this evaluation (PMID: 25333064, 32707200). ClinVar contains an entry for this variant (Variation ID: 550545). Based on the evidence outlined above, the variant was classified as uncertain significance.

Blueprint Genetics
Classification: Uncertain significance. Last evaluated: 2024-08-12. Review status: criteria provided, single submitter. Criteria: ACMG Guidelines, 2015. Collection method: clinical testing. Allele origin: germline.

Fulgent Genetics
Classification: Uncertain significance for Usher syndrome type 2A; Retinitis pigmentosa 39. Last evaluated: 2024-04-22. Review status: criteria provided, single submitter. Criteria: ACMG Guidelines, 2015. Collection method: clinical testing. Allele origin: germline.

Mayo Clinic Laboratories, Mayo Clinic
Classification: Uncertain significance. Last evaluated: 2023-05-12. Review status: criteria provided, single submitter. Criteria: ACMG Guidelines, 2015. Collection method: clinical testing. Allele origin: germline. Observed: 1 variant allele.
Comment: PM2

Labcorp Genetics (formerly Invitae), Labcorp
Classification: Uncertain significance. Last evaluated: 2022-08-16. Review status: criteria provided, single submitter. Criteria: Invitae Variant Classification Sherloc (09022015). Collection method: clinical testing. Allele origin: germline.
Comment: This sequence change replaces glycine, which is neutral and non-polar, with serine, which is neutral and polar, at codon 3291 of the USH2A protein (p.Gly3291Ser). This variant is present in population databases (rs138543813, gnomAD 0.05%). This missense change has been observed in individual(s) with Usher syndrome (PMID: 25333064). ClinVar contains an entry for this variant (Variation ID: 550545). Algorithms developed to predict the effect of missense changes on protein structure and function (SIFT, PolyPhen-2, Align-GVGD) all suggest that this variant is likely to be tolerated. Algorithms developed to predict the effect of sequence changes on RNA splicing suggest that this variant may create or strengthen a splice site. In summary, the available evidence is currently insufficient to determine the role of this variant in disease. Therefore, it has been classified as a Variant of Uncertain Significance.

Institute of Human Genetics, Univ. Regensburg, Univ. Regensburg
Classification: Uncertain significance for Retinal dystrophy. Last evaluated: 2022-01-01. Review status: criteria provided, single submitter. Criteria: ACMG Guidelines, 2015. Collection method: clinical testing. Allele origin: germline. Affected: yes.

Laboratory for Molecular Medicine, Mass General Brigham Personalized Medicine
Classification: Likely benign. Last evaluated: 2018-04-03. Review status: criteria provided, single submitter. Criteria: LMM Criteria. Collection method: clinical testing. Allele origin: germline. Observed: 1 variant allele.
Comment: The p.Gly3291Ser variant has been previously reported in one individual with Ush er syndrome; however the variant reported on the other allele (p.Tyr1992Cys) is classified as benign based on its frequency (Krawitz 2014). The p.Gly3291Ser var iant has been identified in 0.05% (59/126516) European chromosomes by the Genome Aggregation Database (gnomAD; dbSNP rs1385438 13). Although this variant has been seen in the general population, its frequen cy is not high enough to rule out a pathogenic role. Computational prediction to ols and conservation analyses suggest that this variant may not impact the prote in, and at least one mammal (shrew) has a Serine at this residue as do other low er species (birds, reptiles, fish). In summary, the clinical significance of the p.Gly3291Ser variant is likely benign. ACMG/AMP Criteria applied: BP4_Strong.

Natera, Inc.
Classification: Uncertain significance for Usher syndrome type 2A. Last evaluated: 2019-12-28. Review status: no assertion criteria provided. Collection method: clinical testing. Allele origin: germline. Not counted in ClinVar's aggregate classification.

Counsyl
Classification: Uncertain significance for Usher syndrome type 2A; Retinitis pigmentosa 39. Last evaluated: 2017-01-31. Review status: no assertion criteria provided. Collection method: clinical testing. Allele origin: unknown. Not counted in ClinVar's aggregate classification.

Clinical Genetics DNA and cytogenetics Diagnostics Lab, Erasmus MC, Erasmus Medical Center
Classification: Uncertain significance. Review status: no assertion criteria provided. Collection method: clinical testing. Allele origin: germline. Affected: yes. Study: VKGL Data-share Consensus. Not counted in ClinVar's aggregate classification.

Clinical Genetics, Academic Medical Center
Classification: Uncertain significance. Review status: no assertion criteria provided. Collection method: clinical testing. Allele origin: germline. Affected: yes. Study: VKGL Data-share Consensus. Not counted in ClinVar's aggregate classification.

Literature cited by the submitters: PubMed 32707200 (cited by Women's Health and Genetics/Laboratory Corporation of America, LabCorp and Mayo Clinic Laboratories, Mayo Clinic); PubMed 25333064 (cited by 6 submitters); PubMed 327072 (cited by Institute of Human Genetics, Univ. Regensburg, Univ. Regensburg).